The following is an entry in ClinVar:

ClinVar aggregate classification (germline): Likely pathogenic (1 of 4 stars; one submission).

Conditions:
Ehlers-Danlos syndrome, type 4 (EDSVASC). Also called: Ehlers-Danlos syndrome vascular type; Ehlers Danlos syndrome, ecchymotic type; Ehlers Danlos syndrome, arterial type; Ehlers Danlos syndrome, Sack-Barabas type; Ehlers-Danlos Syndrome Type IV. Identifiers: Orphanet 286, MedGen C0268338, MONDO:0017314, OMIM 130050.

Submission:

Labcorp Genetics (formerly Invitae), Labcorp
Classification: Likely pathogenic for Ehlers-Danlos syndrome, type 4. Last evaluated: 2024-08-04. Review status: criteria provided, single submitter. Criteria: Invitae Variant Classification Sherloc (09022015). Collection method: clinical testing. Allele origin: germline.
Comment: This sequence change replaces glycine, which is neutral and non-polar, with valine, which is neutral and non-polar, at codon 843 of the COL3A1 protein (p.Gly843Val). This variant is not present in population databases (gnomAD no frequency). This variant has not been reported in the literature in individuals affected with COL3A1-related conditions. Advanced modeling of protein sequence and biophysical properties (such as structural, functional, and spatial information, amino acid conservation, physicochemical variation, residue mobility, and thermodynamic stability) performed at Invitae indicates that this missense variant is expected to disrupt COL3A1 protein function with a positive predictive value of 95%. This variant disrupts the triple helix domain of COL3A1. Glycine residues within the Gly-Xaa-Yaa repeats of the triple helix domain are required for the structure and stability of fibrillar collagens (PMID: 7695699, 8218237, 19344236). In COL3A1, variants that affect these glycine residues are significantly enriched in individuals with disease (PMID: 24922459, 25758994) compared to the general population (ExAC). In summary, the currently available evidence indicates that the variant is pathogenic, but additional data are needed to prove that conclusively. Therefore, this variant has been classified as Likely Pathogenic.

Literature cited by the submitters: PubMed 7695699; PubMed 8218237; PubMed 19344236; PubMed 24922459; PubMed 25758994.

NM_000090.4(COL3A1):c.2528G>T (p.Gly843Val)

Gene: COL3A1 (collagen type III alpha 1 chain; plus strand). Cytogenetic location: 2q32.2.
Variant type: single nucleotide variant.
Coding change: c.2528G>T on transcript NM_000090.4 (MANE Select); coding-DNA position 2528, G replaced by T.
Protein change: p.Gly843Val; replaces glycine 843 with valine.
Molecular consequence: missense variant.
Genome position (GRCh38, 1-based): chr2:189,003,037, G>T. VCF-style: chr2-189003037-G-T. GRCh37 (hg19) VCF-style: chr2-189867763-G-T.
Other names: short protein forms G843V.
Identifiers: ClinVar variation 3634099 (VCV003634099.2).